The following is an entry in ClinVar:

ClinVar aggregate classification (germline): Uncertain significance (1 of 4 stars; one submission).

Conditions:
Hereditary cancer-predisposing syndrome. Also called: Neoplastic Syndromes, Hereditary; Tumor predisposition; Hereditary neoplastic syndrome; Hereditary Cancer Syndrome. Identifiers: Orphanet 140162, MedGen C0027672, MeSH D009386, MONDO:0015356.

Submission:

Ambry Genetics
Classification: Uncertain significance for Hereditary cancer-predisposing syndrome. Last evaluated: 2023-03-06. Review status: criteria provided, single submitter. Criteria: Ambry Variant Classification Scheme 2023. Collection method: clinical testing. Allele origin: germline.
Comment: The p.L1084F variant (also known as c.3250C>T), located in coding exon 9 of the BRCA1 gene, results from a C to T substitution at nucleotide position 3250. The leucine at codon 1084 is replaced by phenylalanine, an amino acid with highly similar properties. This amino acid position is not well conserved in available vertebrate species. In addition, the in silico prediction for this alteration is inconclusive. Since supporting evidence is limited at this time, the clinical significance of this alteration remains unclear.

NM_007294.4(BRCA1):c.3250C>T (p.Leu1084Phe)

Genes: BRCA1 (BRCA1 DNA repair associated; minus strand), LOC126862571 (BRD4-independent group 4 enhancer GRCh37_chr17:41243136-41244335; plus strand). Cytogenetic location: 17q21.31.
Variant type: single nucleotide variant.
Coding change: c.3250C>T on transcript NM_007294.4 (MANE Select); coding-DNA position 3250, C replaced by T.
Protein change: p.Leu1084Phe; replaces leucine 1084 with phenylalanine.
Molecular consequence: missense variant. On other transcripts: intron variant (137).
Genome position (GRCh38, 1-based): chr17:43,092,281, G>A on the plus strand (C>T on the coding strand, the complement: BRCA1 is on the minus strand). VCF-style: chr17-43092281-G-A. GRCh37 (hg19) VCF-style: chr17-41244298-G-A.
Other names: c.2983C>T, p.Leu995Phe (NM_001407930.1, NM_001407931.1, NM_001407932.1 and 2 more transcripts); c.2986C>T, p.Leu996Phe (NM_001407933.1, NM_001407935.1, NM_001407920.1 and 9 more transcripts); c.3127C>T, p.Leu1043Phe (NM_001407937.1, NM_001407938.1, NM_001407648.1 and 19 more transcripts); c.3037C>T, p.Leu1013Phe (NM_001407571.1, NM_001407853.1, NM_001407894.1 and 9 more transcripts); c.3250C>T, p.Leu1084Phe (NM_001407581.1, NM_001407582.1, NM_001407583.1 and 30 more transcripts); c.3247C>T, p.Leu1083Phe (NM_001407587.1, NM_001407590.1, NM_001407591.1 and 22 more transcripts); c.3241C>T, p.Leu1081Phe (NM_001407646.1, NM_001407647.1); c.3124C>T, p.Leu1042Phe (NM_001407649.1, NM_001407670.1, NM_001407671.1 and 11 more transcripts); and 41 more; short protein forms L1013F, L1014F, L1016F, L1017F, L1037F, L1057F, L788F, L957F.
Identifiers: ClinVar variation 2450693 (VCV002450693.2), dbSNP rs879254009, ClinGen allele CA10595483.